The following is an entry in ClinVar:

NM_014712.3(SETD1A):c.3953dup (p.Glu1319fs)

Gene: SETD1A (SET domain containing 1A, histone lysine methyltransferase; plus strand). Cytogenetic location: 16p11.2.
Variant type: Duplication.
Coding change: c.3953dup on transcript NM_014712.3 (MANE Select); coding-DNA position 3953, one base duplicated (C; older notation c.3953dupC).
Protein change: p.Glu1319fs; shifts the reading frame from glutamic acid 1319.
Molecular consequence: frameshift variant.
Genome position (GRCh38, 1-based): chr16:30,979,739, C duplicated; the last of 5 consecutive C bases (chr16:30,979,735-30,979,739); duplicating any one gives the same sequence. VCF-style (leftmost placement, unchanged base first): chr16-30979734-G-GC. GRCh37 (hg19) VCF-style: chr16-30991055-G-GC.
Other names: short protein forms E1319fs.
Identifiers: ClinVar variation 3952793 (VCV003952793.1).

ClinVar aggregate classification (germline): Pathogenic (1 of 4 stars; one submission).

Conditions:
Inborn genetic diseases. Identifiers: MedGen C0950123, MeSH D030342.

Submission:

Ambry Genetics
Classification: Pathogenic for Inborn genetic diseases. Last evaluated: 2025-04-04. Review status: criteria provided, single submitter. Criteria: Ambry Variant Classification Scheme 2023. Collection method: clinical testing. Allele origin: germline.
Comment: The c.3953dupC (p.E1319Gfs*15) alteration, located in exon 14 (coding exon 13) of the SETD1A gene, consists of a duplication of C at position 3953, causing a translational frameshift with a predicted alternate stop codon after 15 amino acids. This alteration is expected to result in loss of function by premature protein truncation or nonsense-mediated mRNA decay. This variant was not reported in population-based cohorts in the Genome Aggregation Database (gnomAD). Based on the available evidence, this alteration is classified as pathogenic.